The following is an entry in ClinVar:

ClinVar aggregate classification (germline): Likely pathogenic (1 of 4 stars; one submission).

Conditions:
Autosomal recessive limb-girdle muscular dystrophy type 2J (LGMDR10). Also called: Limb-girdle muscular dystrophy, type 2J; MUSCULAR DYSTROPHY, LIMB-GIRDLE, AUTOSOMAL RECESSIVE 10. Identifiers: Orphanet 140922, MedGen C1837342, MONDO:0012127, OMIM 608807.
Dilated cardiomyopathy 1G (CMD1G). Identifiers: Orphanet 154, MedGen C1858763, MONDO:0011400, OMIM 604145.

Submission:

Labcorp Genetics (formerly Invitae), Labcorp
Classification: Likely pathogenic for Dilated cardiomyopathy 1G; Autosomal recessive limb-girdle muscular dystrophy type 2J. Last evaluated: 2025-12-02. Review status: criteria provided, single submitter. Criteria: Invitae Variant Classification Sherloc (09022015). Collection method: clinical testing. Allele origin: germline.
Comment: This sequence change creates a premature translational stop signal (p.Pro30530Leufs*29) in the TTN gene. While this is not anticipated to result in nonsense mediated decay, it is expected to create a truncated TTN protein. This variant is not present in population databases (gnomAD no frequency). This variant has not been reported in the literature in individuals affected with TTN-related conditions. ClinVar contains an entry for this variant (Variation ID: 2017664). This variant is located in the A band of TTN (PMID: 25589632). Truncating variants in this region are significantly overrepresented in patients affected with dilated cardiomyopathy (PMID: 25589632). Truncating variants in this region have also been reported in individuals affected with autosomal recessive centronuclear myopathy (PMID: 23975875). In summary, the currently available evidence indicates that the variant is pathogenic, but additional data are needed to prove that conclusively. Therefore, this variant has been classified as Likely Pathogenic.

Literature cited by the submitters: PubMed 25589632; PubMed 23975875.

NM_001267550.2(TTN):c.91589del (p.Pro30530fs)

Genes: TTN (titin; minus strand), TTN-AS1 (TTN antisense RNA 1; plus strand). Cytogenetic location: 2q31.2.
Variant type: Deletion.
Coding change: c.91589del on transcript NM_001267550.2 (MANE Select); coding-DNA position 91589, one base deleted (C; older notation c.91589delC).
Protein change: p.Pro30530fs; shifts the reading frame from proline 30530.
Molecular consequence: frameshift variant.
Genome position (GRCh38, 1-based): chr2:178,550,249, G deleted on the plus strand (C on the coding strand, the reverse complement: TTN is on the minus strand); the first of 3 consecutive G bases (chr2:178,550,249-178,550,251); deleting any one gives the same sequence. VCF-style (leftmost placement, unchanged base first): chr2-178550248-AG-A. GRCh37 (hg19) VCF-style: chr2-179414975-AG-A.
Other names: c.86666del, p.Pro28889fs (NM_001256850.1); c.64394del, p.Pro21465fs (NM_003319.4); c.83885del, p.Pro27962fs (NM_133378.4); c.64769del, p.Pro21590fs (NM_133432.3); c.64970del, p.Pro21657fs (NM_133437.4); short protein forms P21590fs, P27962fs, P21465fs, P21657fs, P30530fs, P28889fs.
Identifiers: ClinVar variation 2017664 (VCV002017664.4), dbSNP rs1698815023, ClinGen allele CA1310520295.
Genomic context (GRCh38, chr2:178,550,248, plus strand): 5'-TACCAAAGCTTTAATTCTAAGGCTCTCTCCGGACTTAATAATGAGACCATCAAAGTATTC[AG>A]GGCCAAACTCTACTATTGGTGGAACTATAAAAGAAAGAGAAATACTATGTATTAGTTTGG-3'